The following is an entry in ClinVar:

NM_001127208.3(TET2):c.5387G>T (p.Gly1796Val)

Genes: TET2 (tet methylcytosine dioxygenase 2; plus strand), TET2-AS1 (TET2 antisense RNA 1; minus strand). Cytogenetic location: 4q24.
Variant type: single nucleotide variant.
Coding change: c.5387G>T on transcript NM_001127208.3 (MANE Select); coding-DNA position 5387, G replaced by T.
Protein change: p.Gly1796Val; replaces glycine 1796 with valine.
Molecular consequence: missense variant.
Genome position (GRCh38, 1-based): chr4:105,275,897, G>T. VCF-style: chr4-105275897-G-T. GRCh37 (hg19) VCF-style: chr4-106197054-G-T.
Other names: short protein forms G1796V.
Identifiers: ClinVar variation 4690884 (VCV004690884.1).

ClinVar aggregate classification (germline): Uncertain significance (1 of 4 stars; one submission).

gnomAD v4.1: 3 of 1,551,864 alleles (0.00019%); highest among the groups gnomAD compares: Non-Finnish European, 0.00026%; no homozygotes.

Submission:

Labcorp Genetics (formerly Invitae), Labcorp
Classification: Uncertain significance. Last evaluated: 2025-11-12. Review status: criteria provided, single submitter. Criteria: Invitae Variant Classification Sherloc (09022015). Collection method: clinical testing. Allele origin: germline.
Comment: This sequence change replaces glycine, which is neutral and non-polar, with valine, which is neutral and non-polar, at codon 1796 of the TET2 protein (p.Gly1796Val). This variant is not present in population databases (gnomAD no frequency). This variant has not been reported in the literature in individuals affected with TET2-related conditions. An algorithm developed to predict the effect of missense changes on protein structure and function (PolyPhen-2) suggests that this variant is likely to be disruptive. In summary, the available evidence is currently insufficient to determine the role of this variant in disease. Therefore, it has been classified as a Variant of Uncertain Significance.